The following is an entry in ClinVar:

NM_005609.4(PYGM):c.550C>G (p.Leu184Val)

Gene: PYGM (glycogen phosphorylase, muscle associated; minus strand). Cytogenetic location: 11q13.1.
Variant type: single nucleotide variant.
Coding change: c.550C>G on transcript NM_005609.4 (MANE Select); coding-DNA position 550, C replaced by G.
Protein change: p.Leu184Val; replaces leucine 184 with valine.
Molecular consequence: missense variant.
Genome position (GRCh38, 1-based): chr11:64,757,889, G>C on the plus strand (C>G on the coding strand, the complement: PYGM is on the minus strand). VCF-style: chr11-64757889-G-C. GRCh37 (hg19) VCF-style: chr11-64525361-G-C.
Other names: c.286C>G, p.Leu96Val (NM_001164716.1); short protein forms L184V, L96V.
Identifiers: ClinVar variation 4769209 (VCV004769209.2).
Genomic context (GRCh38, chr11:64,757,889, plus strand): 5'-AGAAGTGCACAGGTAGCGTGAACTCGGGCCGGGCCTTCTCCCAGGGGTTGCCGTAGCGAA[G>C]CCAGTCATCGGCCTCCTCCATCTGCACCCAAGGCAGGTCAGGGAGAAAGGCCAGCAGTAT-3'
Protein context (NP_005600.1, residues 174-194): GWQMEEADDW[Leu184Val]RYGNPWEKAR

ClinVar aggregate classification (germline): Uncertain significance. Review status: criteria provided, multiple submitters, no conflicts (2 of 4 stars). 2 submissions from 2 submitters: Uncertain significance (2). Last evaluated 2025-10-29.

Conditions:
Glycogen storage disease, type V (GSD5). Also called: MCARDLE DISEASE; MUSCLE GLYCOGEN PHOSPHORYLASE DEFICIENCY; MYOPHOSPHORYLASE DEFICIENCY; PYGM DEFICIENCY; McArdle type glycogen storage disease. Identifiers: Orphanet 368, MedGen C0017924, MONDO:0009293, OMIM 232600.

Submissions (2):

Labcorp Genetics (formerly Invitae), Labcorp
Classification: Uncertain significance for Glycogen storage disease, type V. Last evaluated: 2025-10-29. Review status: criteria provided, single submitter. Criteria: Invitae Variant Classification Sherloc (09022015). Collection method: clinical testing. Allele origin: germline.
Comment: This sequence change replaces leucine, which is neutral and non-polar, with valine, which is neutral and non-polar, at codon 184 of the PYGM protein (p.Leu184Val). This variant is not present in population databases (gnomAD no frequency). This variant has not been reported in the literature in individuals affected with PYGM-related conditions. Invitae Evidence Modeling of protein sequence and biophysical properties (such as structural, functional, and spatial information, amino acid conservation, physicochemical variation, residue mobility, and thermodynamic stability) indicates that this missense variant is expected to disrupt PYGM protein function with a positive predictive value of 95%. In summary, the available evidence is currently insufficient to determine the role of this variant in disease. Therefore, it has been classified as a Variant of Uncertain Significance.

Blueprint Genetics
Classification: Uncertain significance. Last evaluated: 2018-07-13. Review status: criteria provided, single submitter. Criteria: ACMG Guidelines, 2015. Collection method: clinical testing. Allele origin: germline.